The following is an entry in ClinVar:

ClinVar aggregate classification (germline): Uncertain significance (1 of 4 stars; one submission).

Submission:

Centre of Medical Genetics, University Hospital Muenster
Classification: Uncertain significance. Last evaluated: 2023-05-31. Review status: criteria provided, single submitter. Criteria: ACMG Guidelines, 2015. Collection method: clinical testing. Allele origin: unknown. Affected: yes. Observed: 1 variant allele, 1 heterozygote.
Comment: ACMG categories: PM2

NM_007192.4(SUPT16H):c.1114A>G (p.Lys372Glu)

Gene: SUPT16H (SPT16 homolog, facilitates chromatin remodeling subunit; minus strand). Cytogenetic location: 14q11.2.
Variant type: single nucleotide variant.
Coding change: c.1114A>G on transcript NM_007192.4 (MANE Select); coding-DNA position 1114, A replaced by G.
Protein change: p.Lys372Glu; replaces lysine 372 with glutamic acid.
Molecular consequence: missense variant.
Genome position (GRCh38, 1-based): chr14:21,365,076, T>C on the plus strand (A>G on the coding strand, the complement: SUPT16H is on the minus strand). VCF-style: chr14-21365076-T-C. GRCh37 (hg19) VCF-style: chr14-21833235-T-C.
Other names: short protein forms K372E.
Identifiers: ClinVar variation 3062176 (VCV003062176.2), dbSNP rs2501765786, ClinGen allele CA388868008.